The following is an entry in ClinVar:

NM_020207.7(ERCC6L2):c.4339G>A (p.Asp1447Asn)

Gene: ERCC6L2 (ERCC excision repair 6 like 2; plus strand). Cytogenetic location: 9q22.32.
Variant type: single nucleotide variant.
Coding change: c.4339G>A on transcript NM_020207.7 (MANE Select); coding-DNA position 4339, G replaced by A.
Protein change: p.Asp1447Asn; replaces aspartic acid 1447 with asparagine.
Molecular consequence: missense variant. On other transcripts: non-coding transcript variant (1), intron variant (2).
Genome position (GRCh38, 1-based): chr9:96,012,889, G>A. VCF-style: chr9-96012889-G-A. GRCh37 (hg19) VCF-style: chr9-98775171-G-A.
Other names: c.3674+8188G>A (NM_001375291.1, NM_001375292.1); short protein forms D1447N.
Identifiers: ClinVar variation 4774036 (VCV004774036.1).
Genomic context (GRCh38, chr9:96,012,889, plus strand): 5'-AATCCAGTGCTGGAAAATACTTCTGTGATAAGCTTACTTGGTGATACCTCTATTCTTGAT[G>A]ACCTTTTTAAAAGTCATGGGAACAGTCCCACACAACTGCCAAAGAAAGTTCTTTCAGGGC-3'
Protein context (NP_064592.3, residues 1437-1457): SLLGDTSILD[Asp1447Asn]LFKSHGNSPT

ClinVar aggregate classification (germline): Uncertain significance (1 of 4 stars; one submission).

gnomAD v4.1: 2 of 1,367,502 alleles (0.00015%); highest among the groups gnomAD compares: Non-Finnish European, 0.0002%; no homozygotes.

Submission:

Labcorp Genetics (formerly Invitae), Labcorp
Classification: Uncertain significance. Last evaluated: 2025-05-19. Review status: criteria provided, single submitter. Criteria: Invitae Variant Classification Sherloc (09022015). Collection method: clinical testing. Allele origin: germline.
Comment: This sequence change replaces aspartic acid, which is acidic and polar, with asparagine, which is neutral and polar, at codon 1458 of the ERCC6L2 protein (p.Asp1458Asn). This variant is present in population databases (no rsID available, gnomAD 0.007%). This variant has not been reported in the literature in individuals affected with ERCC6L2-related conditions. Experimental studies and prediction algorithms are not available or were not evaluated, and the functional significance of this variant is currently unknown. In summary, the available evidence is currently insufficient to determine the role of this variant in disease. Therefore, it has been classified as a Variant of Uncertain Significance.